The following is an entry in ClinVar:

ClinVar aggregate classification (germline): Uncertain significance. Review status: criteria provided, single submitter (1 of 4 stars). 2 submissions from 2 submitters: Uncertain significance (1). 1 of the submissions does not count toward it. Last evaluated 2024-02-24.

Conditions:
Severe combined immunodeficiency, autosomal recessive, T cell-negative, B cell-negative, NK cell-negative, due to adenosine deaminase deficiency. Also called: ADA deficiency; Adenosine deaminase deficient severe combined immunodeficiency; Severe combined immunodeficiency due to ADA deficiency; SCID DUE TO ADA DEFICIENCY; SCID DUE TO ADA DEFICIENCY, EARLY-ONSET; ADA-SCID. Identifiers: Orphanet 277, MedGen C0392607, MONDO:0007064, OMIM 102700.

Allele frequency attached by ClinVar (database versions not stated): gnomAD 0.00001; TOPMed 0.00002.
gnomAD v4.1: 4 of 1,614,050 alleles (0.00025%); highest among the groups gnomAD compares: Admixed American, 0.0017%; no homozygotes.

Submissions (2):

Labcorp Genetics (formerly Invitae), Labcorp
Classification: Uncertain significance for Severe combined immunodeficiency, autosomal recessive, T cell-negative, B cell-negative, NK cell-negative, due to adenosine deaminase deficiency. Last evaluated: 2024-02-24. Review status: criteria provided, single submitter. Criteria: Invitae Variant Classification Sherloc (09022015). Collection method: clinical testing. Allele origin: germline.
Comment: This sequence change replaces aspartic acid, which is acidic and polar, with tyrosine, which is neutral and polar, at codon 345 of the ADA protein (p.Asp345Tyr). This variant is present in population databases (no rsID available, gnomAD 0.0009%). This variant has not been reported in the literature in individuals affected with ADA-related conditions. ClinVar contains an entry for this variant (Variation ID: 664130). Advanced modeling of protein sequence and biophysical properties (such as structural, functional, and spatial information, amino acid conservation, physicochemical variation, residue mobility, and thermodynamic stability) performed at Invitae indicates that this missense variant is not expected to disrupt ADA protein function with a negative predictive value of 80%. In summary, the available evidence is currently insufficient to determine the role of this variant in disease. Therefore, it has been classified as a Variant of Uncertain Significance.

Natera, Inc.
Classification: Uncertain significance for Severe combined immunodeficiency due to ADA deficiency. Last evaluated: 2020-09-16. Review status: no assertion criteria provided. Collection method: clinical testing. Allele origin: germline. Not counted in ClinVar's aggregate classification.

NM_000022.4(ADA):c.1033G>T (p.Asp345Tyr)

Gene: ADA (adenosine deaminase; minus strand). Cytogenetic location: 20q13.12.
Variant type: single nucleotide variant.
Coding change: c.1033G>T on transcript NM_000022.4 (MANE Select); coding-DNA position 1033, G replaced by T.
Protein change: p.Asp345Tyr; replaces aspartic acid 345 with tyrosine.
Molecular consequence: missense variant. On other transcripts: non-coding transcript variant (1).
Genome position (GRCh38, 1-based): chr20:44,620,344, C>A on the plus strand (G>T on the coding strand, the complement: ADA is on the minus strand). VCF-style: chr20-44620344-C-A. GRCh37 (hg19) VCF-style: chr20-43248985-C-A.
Other names: c.628G>T, p.Asp210Tyr (NM_001322050.2); c.961G>T, p.Asp321Tyr (NM_001322051.2); short protein forms D321Y, D210Y, D345Y.
Identifiers: ClinVar variation 664130 (VCV000664130.5), dbSNP rs779530705, ClinGen allele CA315433291.